The following is an entry in ClinVar:

ClinVar aggregate classification (germline): Pathogenic (1 of 4 stars; one submission).

Submission:

ISCA Site 6
Classification: Pathogenic. Last evaluated: 2011-08-12. Review status: criteria provided, single submitter. Criteria: Kaminsky et al. (Genet Med. 2011). Collection method: clinical testing. Allele origin: unknown. Affected: yes. Observed: 1 variant allele.
Comment: Copy number variation identified through the course of routine clinical cytogenomic testing in postnatal populations. Clinical assertions have been curated as described in Kaminsky et al. 2011.

GRCh38/hg38 1q21.1(chr1:145335791-146133507)x1

Genes: ANKRD34A (ankyrin repeat domain 34A; minus strand), ANKRD35 (ankyrin repeat domain 35; minus strand), ANKRD35-DT (ANKRD35 divergent transcript; plus strand), CD160 (CD160 molecule; plus strand), GPHRA (golgi pH regulator A; plus strand) and 59 more. Cytogenetic location: 1q21.1.
Variant type: copy number loss.
Change: copy number 1 (one copy instead of two) of chr1:145,335,791-146,133,507 (797.7 kb, GRCh38 coordinates, 1-based), cytogenetic band 1q21.1.
Identifiers: ClinVar variation 59864 (VCV000059864.2).